The following is an entry in ClinVar:

NM_004415.4(DSP):c.5274C>G (p.Ile1758Met)

Gene: DSP (desmoplakin; plus strand). Cytogenetic location: 6p24.3.
Variant type: single nucleotide variant.
Coding change: c.5274C>G on transcript NM_004415.4 (MANE Select); coding-DNA position 5274, C replaced by G.
Protein change: p.Ile1758Met; replaces isoleucine 1758 with methionine.
Molecular consequence: missense variant. On other transcripts: intron variant (2).
Genome position (GRCh38, 1-based): chr6:7,581,464, C>G. VCF-style: chr6-7581464-C-G. GRCh37 (hg19) VCF-style: chr6-7581697-C-G.
Other names: c.4051-1178C>G (NM_001319034.2); c.3583-1178C>G (NM_001008844.3); short protein forms I1758M.
Identifiers: ClinVar variation 2204621 (VCV002204621.3), dbSNP rs750952168, ClinGen allele CA362688237.

ClinVar aggregate classification (germline): Uncertain significance (1 of 4 stars; one submission).

Conditions:
Cardiovascular phenotype. Identifiers: MedGen CN230736.

Submission:

Ambry Genetics
Classification: Uncertain significance for Cardiovascular phenotype. Last evaluated: 2026-09-11. Review status: criteria provided, single submitter. Criteria: Ambry Variant Classification Scheme 2023. Collection method: clinical testing. Allele origin: germline.
Comment: The p.I1758M variant (also known as c.5274C>G), located in coding exon 23 of the DSP gene, results from a C to G substitution at nucleotide position 5274. The isoleucine at codon 1758 is replaced by methionine, an amino acid with highly similar properties. This amino acid position is conserved. In addition, this alteration is predicted to be tolerated by in silico analysis. Based on the available evidence, the clinical significance of this variant remains unclear.